The following is an entry in ClinVar:

NM_000138.5(FBN1):c.7409G>A (p.Cys2470Tyr)

Gene: FBN1 (fibrillin 1; minus strand). Cytogenetic location: 15q21.1.
Variant type: single nucleotide variant.
Coding change: c.7409G>A on transcript NM_000138.5 (MANE Select); coding-DNA position 7409, G replaced by A.
Protein change: p.Cys2470Tyr; replaces cysteine 2470 with tyrosine.
Molecular consequence: missense variant.
Genome position (GRCh38, 1-based): chr15:48,425,413, C>T on the plus strand (G>A on the coding strand, the complement: FBN1 is on the minus strand). VCF-style: chr15-48425413-C-T. GRCh37 (hg19) VCF-style: chr15-48717610-C-T.
Other names: short protein forms C2470Y.
Identifiers: ClinVar variation 549407 (VCV000549407.10), dbSNP rs1555394398, ClinGen allele CA392327768.
Genomic context (GRCh38, chr15:48,425,413, plus strand): 5'-GTCAATTCTACTTTACCTTTGCAGCTCCTTCCATCCTCTTGCAGAATGTAGCCTTTCGGG[C>T]ATGAACACTGGTAACTCCCTTCTGTGTTTTTGCAGATAAAATTGCAGGGTTTGGGAGCCT-3'
Protein context (NP_000129.3, residues 2460-2480): KNTEGSYQCS[Cys2470Tyr]PKGYILQEDG

ClinVar aggregate classification (germline): Pathogenic. Review status: criteria provided, single submitter (1 of 4 stars). 2 submissions from 2 submitters: Pathogenic (1). 1 of the submissions does not count toward it. Last evaluated 2019-07-25.

Conditions:
Familial thoracic aortic aneurysm and aortic dissection (TAAD). Also called: Thoracic aortic aneurysms and dissections. Identifiers: Orphanet 91387, MedGen C4707243, MONDO:0019625.
Marfan syndrome (MFS). Also called: Marfan syndrome type 1; Marfan syndrome, classic; Marfan's syndrome; FBN1-Related Marfan Syndrome; MARFAN SYNDROME, TYPE I. Identifiers: Orphanet 284963, Orphanet 558, MedGen C0024796, MONDO:0007947, OMIM 154700.

Submissions (2):

Labcorp Genetics (formerly Invitae), Labcorp
Classification: Pathogenic for Marfan syndrome; Familial thoracic aortic aneurysm and aortic dissection. Last evaluated: 2019-07-25. Review status: criteria provided, single submitter. Criteria: Invitae Variant Classification Sherloc (09022015). Collection method: clinical testing. Allele origin: germline.
Comment: This variant has been observed to segregate with clinical features of Marfan syndrome in a family (PMID: 23653584), and has been reported in other affected individuals (PMID: 16835936, 18435798, Invitae). ClinVar contains an entry for this variant (Variation ID: 549407). This variant is not present in population databases (ExAC no frequency). This sequence change replaces cysteine with tyrosine at codon 2470 of the FBN1 protein (p.Cys2470Tyr). The cysteine residue is highly conserved and there is a large physicochemical difference between cysteine and tyrosine. Algorithms developed to predict the effect of missense changes on protein structure and function are either unavailable or do not agree on the potential impact of this missense change (SIFT: "Deleterious"; PolyPhen-2: "Probably Damaging"; Align-GVGD: "Class C0"). This variant affects a cysteine residue in the EGF-like, TGFBP or hybrid motif domains of FBN1. Cysteine residues are believed to be involved in intramolecular disulfide bridges and have been shown to be important for FBN1 protein structure (PMID: 16905551, 19349279). In addition, missense substitutions affecting cysteine residues within these domains are significantly overrepresented among patients with Marfan syndrome (PMID: 16571647, 17701892). For these reasons, this variant has been classified as Pathogenic.

Center for Medical Genetics Ghent, University of Ghent
Classification: Likely pathogenic for Marfan syndrome. Last evaluated: 2017-11-07. Review status: no assertion criteria provided. Collection method: clinical testing. Allele origin: germline. Affected: yes. Not counted in ClinVar's aggregate classification.

Literature cited by the submitters: PubMed 23653584 (cited by Labcorp Genetics (formerly Invitae), Labcorp); PubMed 16835936 (cited by Labcorp Genetics (formerly Invitae), Labcorp); PubMed 18435798 (cited by Labcorp Genetics (formerly Invitae), Labcorp); PubMed 16905551 (cited by Labcorp Genetics (formerly Invitae), Labcorp); PubMed 19349279 (cited by Labcorp Genetics (formerly Invitae), Labcorp); PubMed 16571647 (cited by Labcorp Genetics (formerly Invitae), Labcorp); PubMed 17701892 (cited by Labcorp Genetics (formerly Invitae), Labcorp).